The following is an entry in ClinVar:

ClinVar aggregate classification (germline): Likely benign. Review status: criteria provided, multiple submitters, no conflicts (2 of 4 stars). 3 submissions from 3 submitters: Likely benign (3). Last evaluated 2025-08-01.

Conditions:
Hereditary cancer-predisposing syndrome. Also called: Hereditary neoplastic syndrome; Tumor predisposition; Neoplastic Syndromes, Hereditary; Hereditary Cancer Syndrome. Identifiers: Orphanet 140162, MedGen C0027672, MeSH D009386, MONDO:0015356.
Rhabdoid tumor predisposition syndrome 2 (RTPS2). Identifiers: Orphanet 231108, Orphanet 69077, MedGen C2750074, MONDO:0013224, OMIM 613325.

Submissions (3):

CeGaT Center for Human Genetics Tuebingen
Classification: Likely benign. Last evaluated: 2025-08-01. Review status: criteria provided, single submitter. Criteria: CeGaT Center For Human Genetics Tuebingen Variant Classification Criteria Version 2. Collection method: clinical testing. Allele origin: germline. Affected: yes. Observed: 1 variant allele.
Comment: SMARCA4: PM2:Supporting, BP4, BP7

Labcorp Genetics (formerly Invitae), Labcorp
Classification: Likely benign for Rhabdoid tumor predisposition syndrome 2. Last evaluated: 2024-02-17. Review status: criteria provided, single submitter. Criteria: Invitae Variant Classification Sherloc (09022015). Collection method: clinical testing. Allele origin: germline.

Ambry Genetics
Classification: Likely benign for Hereditary cancer-predisposing syndrome. Last evaluated: 2020-06-10. Review status: criteria provided, single submitter. Criteria: Ambry Variant Classification Scheme 2023. Collection method: clinical testing. Allele origin: germline.

NM_003072.5(SMARCA4):c.4284C>G (p.Thr1428=)

Gene: SMARCA4 (SWI/SNF related BAF chromatin remodeling complex subunit ATPase 4; plus strand). Cytogenetic location: 19p13.2.
Variant type: single nucleotide variant.
Coding change: c.4284C>G on transcript NM_003072.5 (MANE Select); coding-DNA position 4284, C replaced by G.
Protein change: p.Thr1428=; no amino-acid change (threonine 1428 retained).
Molecular consequence: synonymous variant. On other transcripts: non-coding transcript variant (1).
Genome position (GRCh38, 1-based): chr19:11,041,420, C>G. VCF-style: chr19-11041420-C-G. GRCh37 (hg19) VCF-style: chr19-11152096-C-G.
Other names: c.4284C>G, p.Thr1428= (NM_001128844.3); c.4194C>G, p.Thr1398= (NM_001128845.2, NM_001128846.2); c.4185C>G, p.Thr1395= (NM_001128847.4, NM_001128848.2, NM_001374457.1); c.4380C>G, p.Thr1460= (NM_001128849.3, NM_001387283.1); c.4281C>G, p.Thr1427= (NM_001411150.1).
Identifiers: ClinVar variation 1740161 (VCV001740161.15), dbSNP rs2146817611, ClinGen allele CA505743850.
Genomic context (GRCh38, chr19:11,041,420, plus strand): 5'-ATCATCACGGAAGCGCAAGCGAGACAGCGACGCCGGCTCCTCCACCCCGACCACCAGCAC[C>G]CGCAGCCGCGACAAGGACGACGAGAGCAAGAAGCAGAAGAAGCGCGGGCGGCCGCCTGCC-3'
Protein context (NP_003063.2, residues 1418-1438): DAGSSTPTTS[Thr1428=]RSRDKDDESK